The following is an entry in ClinVar:

ClinVar aggregate classification (germline): Pathogenic/Likely pathogenic. Review status: criteria provided, multiple submitters, no conflicts (2 of 4 stars). 11 submissions from 11 submitters: Pathogenic (6); Likely pathogenic (2). 3 of the submissions do not count toward it. Last evaluated 2025-10-30.

Conditions:
Metachromatic leukodystrophy, adult type. Also called: Metachromatic leukodystrophy, adult form. Identifiers: Orphanet 309271, MedGen C0751279, MONDO:0017730.
Metachromatic leukodystrophy (MLD). Also called: ARSA DEFICIENCY; CEREBROSIDE SULFATASE DEFICIENCY; METACHROMATIC LEUKOENCEPHALOPATHY; SULFATIDE LIPIDOSIS; Arylsulfatase A Deficiency; Cerebral sclerosis diffuse metachromatic form. Identifiers: Orphanet 512, MedGen C0023522, MONDO:0018868, OMIM 250100.

Allele frequency attached by ClinVar (database versions not stated): TOPMed below 0.00001.

Submissions (11):

3billion
Classification: Pathogenic for Metachromatic leukodystrophy. Last evaluated: 2025-10-30. Review status: criteria provided, single submitter. Criteria: ACMG Guidelines, 2015. Collection method: clinical testing. Allele origin: germline. Affected: yes.
Comment: The variant is observed at an extremely low frequency in the gnomAD v4.1.0 dataset (total allele frequency: 0.001%). Predicted Consequence/Location: Missense variant In silico tool predictions suggest damaging effect of the variant on gene or gene product [REVEL: 0.96 (>=0.6, sensitivity 0.68 and specificity 0.92); 3Cnet: 0.98 (> 0.75, sensitivity 0.96 and precision 0.92)]. The same nucleotide change resulting in the same amino acid change has been previously reported as pathogenic/likely pathogenic with strong evidence (ClinVar ID: VCV000003053 /PMID: 1673291). The variant has been reported to be in trans with a pathogenic variant as either compound heterozygous or homozygous in at least 4 similarly affected unrelated individuals (PMID: 20890085, 8455580). Different missense changes at the same codon (p.Gly101Cys, p.Gly101Val) have been reported as pathogenic/likely pathogenic with strong evidence (ClinVar ID: VCV000068129, VCV001455794, VCV002191760 /PMID: 10477432). Therefore, this variant is classified as Pathogenic according to the recommendation of ACMG/AMP guideline.

Natera, Inc.
Classification: Pathogenic for Metachromatic leukodystrophy. Last evaluated: 2024-12-04. Review status: criteria provided, single submitter. Criteria: Natera Variant Classification Schema (03/2026). Collection method: clinical testing. Allele origin: germline.
Comment: The c.302G>A variant in ARSA is a missense variant predicted to cause substitution of glycine to aspartic acid at amino acid 101. This variant is rare in the general population with a frequency below the threshold expected for the associated phenotype(s). This variant has been observed in one or more individuals affected with the associated recessive disease, as either homozygous or compound heterozygous with a second variant (PMID: 21265945, 20890085, 8101083). A different variant at the same position has been determined to be Pathogenic or Likely Pathogenic. Computational prediction algorithms indicate this variant is likely to affect gene or protein function. Given the available evidence, this variant is classified as Pathogenic.

Fulgent Genetics
Classification: Pathogenic for Metachromatic leukodystrophy. Last evaluated: 2024-03-11. Review status: criteria provided, single submitter. Criteria: ACMG Guidelines, 2015. Collection method: clinical testing. Allele origin: germline.

CeGaT Center for Human Genetics Tuebingen
Classification: Pathogenic. Last evaluated: 2024-02-01. Review status: criteria provided, single submitter. Criteria: CeGaT Center For Human Genetics Tuebingen Variant Classification Criteria Version 2. Collection method: clinical testing. Allele origin: germline. Affected: yes. Observed: 3 variant alleles.
Comment: ARSA: PM1, PM2, PM3, PM5, PP4, PS3:Supporting

Labcorp Genetics (formerly Invitae), Labcorp
Classification: Pathogenic for Metachromatic leukodystrophy. Last evaluated: 2023-12-03. Review status: criteria provided, single submitter. Criteria: Invitae Variant Classification Sherloc (09022015). Collection method: clinical testing. Allele origin: germline.
Comment: This sequence change replaces glycine, which is neutral and non-polar, with aspartic acid, which is acidic and polar, at codon 101 of the ARSA protein (p.Gly101Asp). The frequency data for this variant in the population databases is considered unreliable, as metrics indicate poor data quality at this position in the gnomAD database. This missense change has been observed in individual(s) with clinical features of metachromatic leukodystrophy (PMID: 1673291, 20890085, 26131420). In at least one individual the data is consistent with being in trans (on the opposite chromosome) from a pathogenic variant. ClinVar contains an entry for this variant (Variation ID: 3053). Advanced modeling of protein sequence and biophysical properties (such as structural, functional, and spatial information, amino acid conservation, physicochemical variation, residue mobility, and thermodynamic stability) performed at Invitae indicates that this missense variant is expected to disrupt ARSA protein function with a positive predictive value of 95%. Experimental studies have shown that this missense change affects ARSA function (PMID: 1673291). This variant disrupts the p.Gly101 amino acid residue in ARSA. Other variant(s) that disrupt this residue have been determined to be pathogenic (PMID: 10477432, 26553228, 27374302, 27779215, 30057904). This suggests that this residue is clinically significant, and that variants that disrupt this residue are likely to be disease-causing. For these reasons, this variant has been classified as Pathogenic.

Women's Health and Genetics/Laboratory Corporation of America, LabCorp
Classification: Pathogenic for Metachromatic leukodystrophy. Last evaluated: 2018-06-25. Review status: criteria provided, single submitter. Criteria: LabCorp Variant Classification Summary - May 2015. Collection method: clinical testing. Allele origin: germline.
Comment: Variant summary: ARSA c.302G>A (p.Gly101Asp) results in a non-conservative amino acid change located in the Sulfatase, N-terminal (IPR000917) of the encoded protein sequence. Five of five in-silico tools predict a damaging effect of the variant on protein function. The variant allele was found at a frequency of 4.2e-05 in 47324 control chromosomes (gnomAD). The variant, c.302G>A, has been reported in the literature in individuals affected with Metachromatic Leukodystrophy (Kondo_1991, Han_2015, Kurosawa_1998). These data indicate that the variant is very likely to be associated with disease. At least one publication reports experimental evidence evaluating an impact on protein function. The most pronounced variant effect results in <10% of normal activity (Kondo_1991). Two clinical diagnostic laboratories have submitted clinical-significance assessments for this variant to ClinVar after 2014 without evidence for independent evaluation. All laboratories classified the variant as pathogenic/likely pathogenic. Based on the evidence outlined above, the variant was classified as pathogenic.

Eurofins Ntd Llc (ga)
Classification: Likely pathogenic. Last evaluated: 2016-10-27. Review status: criteria provided, single submitter. Criteria: EGL Classification Definitions 2015. Collection method: clinical testing. Allele origin: germline. Observed: 1 variant allele, 1 heterozygote.

Juno Genomics, Hangzhou Juno Genomics, Inc
Classification: Likely pathogenic for Metachromatic leukodystrophy. Review status: criteria provided, single submitter. Criteria: ACMG Guidelines, 2015. Collection method: clinical testing. Allele origin: germline.
Comment: Absent from controls (or at extremely low frequency if recessive) in Genome Aggregation Database.;For recessive disorders, detected in trans with a pathogenic variant.;Patient's phenotype or family history is highly specific for a disease with a single genetic etiology.;Well-established in vitro or in vivo functional studies supportive of a damaging effect on the gene or gene product.;Novel missense change at an amino acid residue where a different missense change determined to be pathogenic has been seen before.

Counsyl
Classification: Pathogenic for Metachromatic leukodystrophy. Last evaluated: 2015-02-03. Review status: no assertion criteria provided. Collection method: literature only. Allele origin: unknown. Inheritance: Autosomal recessive inheritance. Not counted in ClinVar's aggregate classification.

OMIM
Classification: Pathogenic for METACHROMATIC LEUKODYSTROPHY, ADULT. Last evaluated: 1991-05-01. Review status: no assertion criteria provided. Collection method: literature only. Allele origin: germline. Not counted in ClinVar's aggregate classification.

GeneReviews
No classification provided. Condition: Metachromatic leukodystrophy. Review status: no classification provided. Collection method: literature only. Allele origin: germline. Not counted in ClinVar's aggregate classification.

Literature cited by the submitters: PubMed 1673291 (cited by 5 submitters); PubMed 8455580 (cited by 3billion and Counsyl); PubMed 10477432 (cited by 3billion and Labcorp Genetics (formerly Invitae), Labcorp); PubMed 20890085 (cited by 4 submitters); PubMed 21265945 (cited by Natera, Inc. and Counsyl); PubMed 8101083 (cited by Natera, Inc.); PubMed 26131420 (cited by Labcorp Genetics (formerly Invitae), Labcorp and Women's Health and Genetics/Laboratory Corporation of America, LabCorp); PubMed 26553228 (cited by Labcorp Genetics (formerly Invitae), Labcorp); PubMed 27374302 (cited by Labcorp Genetics (formerly Invitae), Labcorp); PubMed 27779215 (cited by Labcorp Genetics (formerly Invitae), Labcorp); PubMed 30057904 (cited by Labcorp Genetics (formerly Invitae), Labcorp); PubMed 9819708 (cited by Women's Health and Genetics/Laboratory Corporation of America, LabCorp and Counsyl); PubMed 10459747 (cited by Counsyl); PubMed 17560502 (cited by Counsyl); NCBI Bookshelf NBK1130 (cited by GeneReviews); NCBI Bookshelf NBK8455580 (cited by GeneReviews); NCBI Bookshelf NBK9819708 (cited by GeneReviews).

NM_000487.6(ARSA):c.302G>A (p.Gly101Asp)

Gene: ARSA (arylsulfatase A; minus strand). Cytogenetic location: 22q13.33.
Variant type: single nucleotide variant.
Coding change: c.302G>A on transcript NM_000487.6 (MANE Select); coding-DNA position 302, G replaced by A.
Protein change: p.Gly101Asp; replaces glycine 101 with aspartic acid.
Molecular consequence: missense variant.
Genome position (GRCh38, 1-based): chr22:50,627,329, C>T on the plus strand (G>A on the coding strand, the complement: ARSA is on the minus strand). VCF-style: chr22-50627329-C-T. GRCh37 (hg19) VCF-style: chr22-51065757-C-T.
Other names: G99D; c.302G>A, p.Gly101Asp (NM_001085425.3, NM_001085426.3, NM_001085427.3); c.44G>A, p.Gly15Asp (NM_001085428.3, NM_001362782.2); short protein forms G101D, G15D.
Identifiers: ClinVar variation 3053 (VCV000003053.49), dbSNP rs74315455, ClinGen allele CA115958.